The following is an entry in ClinVar:

ClinVar aggregate classification (germline): Uncertain significance (1 of 4 stars; one submission).

Conditions:
TTN-related disorder. Also called: TTN-related disorders; TTN-related condition; TTN-related disease.

gnomAD v4.1: 5 of 1,613,352 alleles (0.00031%); highest among the groups gnomAD compares: South Asian, 0.0033%; no homozygotes.

Submission:

PreventionGenetics, part of Exact Sciences
Classification: Uncertain significance for TTN-related condition. Last evaluated: 2025-11-05. Review status: criteria provided, single submitter. Criteria: ACMG Guidelines, 2015. Collection method: clinical testing. Allele origin: germline.
Comment: The TTN c.74393T>C variant is predicted to result in the amino acid substitution p.Ile24798Thr. To our knowledge, this variant has not been reported in the literature. This variant is reported in 0.0051% of alleles in individuals of East Asian descent in gnomAD. At this time, the clinical significance of this variant is uncertain due to the absence of conclusive functional and genetic evidence.

NM_001267550.2(TTN):c.74393T>C (p.Ile24798Thr)

Genes: TTN (titin; minus strand), TTN-AS1 (TTN antisense RNA 1; plus strand). Cytogenetic location: 2q31.2.
Variant type: single nucleotide variant.
Coding change: c.74393T>C on transcript NM_001267550.2 (MANE Select); coding-DNA position 74393, T replaced by C.
Protein change: p.Ile24798Thr; replaces isoleucine 24798 with threonine.
Molecular consequence: missense variant.
Genome position (GRCh38, 1-based): chr2:178,571,739, A>G on the plus strand (T>C on the coding strand, the complement: TTN is on the minus strand). VCF-style: chr2-178571739-A-G. GRCh37 (hg19) VCF-style: chr2-179436466-A-G.
Other names: c.69470T>C, p.Ile23157Thr (NM_001256850.1); c.47198T>C, p.Ile15733Thr (NM_003319.4); c.66689T>C, p.Ile22230Thr (NM_133378.4); c.47573T>C, p.Ile15858Thr (NM_133432.3); c.47774T>C, p.Ile15925Thr (NM_133437.4); short protein forms I15858T, I15925T, I22230T, I23157T, I15733T, I24798T.
Identifiers: ClinVar variation 4982099 (VCV004982099.1).